The following is an entry in ClinVar:

NM_000322.5(PRPH2):c.637T>A (p.Cys213Ser)

Gene: PRPH2 (peripherin 2; minus strand). Cytogenetic location: 6p21.1.
Variant type: single nucleotide variant.
Coding change: c.637T>A on transcript NM_000322.5 (MANE Select); coding-DNA position 637, T replaced by A.
Protein change: p.Cys213Ser; replaces cysteine 213 with serine.
Molecular consequence: missense variant.
Genome position (GRCh38, 1-based): chr6:42,704,556, A>T on the plus strand (T>A on the coding strand, the complement: PRPH2 is on the minus strand). VCF-style: chr6-42704556-A-T. GRCh37 (hg19) VCF-style: chr6-42672294-A-T.
Other names: short protein forms C213S.
Identifiers: ClinVar variation 2844115 (VCV002844115.4), dbSNP rs61755802, ClinGen allele CA364135597.

ClinVar aggregate classification (germline): Pathogenic/Likely pathogenic. Review status: criteria provided, multiple submitters, no conflicts (2 of 4 stars). 2 submissions from 2 submitters: Pathogenic (1); Likely pathogenic (1). Last evaluated 2024-07-08.

Conditions:
PRPH2-related disorder. Also called: PRPH2-related condition; PRPH2-related disorders. Identifiers: MedGen CN239395.

gnomAD v4.1: 1 of 1,614,188 alleles (0.000062%); highest among the groups gnomAD compares: Non-Finnish European, 0.000085%; no homozygotes.

Submissions (2):

Labcorp Genetics (formerly Invitae), Labcorp
Classification: Pathogenic for PRPH2-related disorder. Last evaluated: 2024-07-08. Review status: criteria provided, single submitter. Criteria: Invitae Variant Classification Sherloc (09022015). Collection method: clinical testing. Allele origin: germline.
Comment: This sequence change replaces cysteine, which is neutral and slightly polar, with serine, which is neutral and polar, at codon 213 of the PRPH2 protein (p.Cys213Ser). This variant is not present in population databases (gnomAD no frequency). This missense change has been observed in individuals with pattern dystrophy and/or Stargardt disease (PMID: 11934323, 32531846). It has also been observed to segregate with disease in related individuals. Advanced modeling of protein sequence and biophysical properties (such as structural, functional, and spatial information, amino acid conservation, physicochemical variation, residue mobility, and thermodynamic stability) performed at Invitae indicates that this missense variant is expected to disrupt PRPH2 protein function with a positive predictive value of 95%. For these reasons, this variant has been classified as Pathogenic.

Blueprint Genetics
Classification: Likely pathogenic for PRPH2-related disorders. Last evaluated: 2019-11-29. Review status: criteria provided, single submitter. Criteria: ACMG Guidelines, 2015. Collection method: clinical testing. Allele origin: germline. Affected: yes. Observed: 1 variant allele.

Literature cited by the submitters: PubMed 11934323 (cited by Labcorp Genetics (formerly Invitae), Labcorp); PubMed 32531846 (cited by Labcorp Genetics (formerly Invitae), Labcorp).